The following is an entry in ClinVar:

ClinVar aggregate classification (germline): Likely benign (1 of 4 stars; one submission).

Submission:

CeGaT Center for Human Genetics Tuebingen
Classification: Likely benign. Last evaluated: 2025-11-01. Review status: criteria provided, single submitter. Criteria: CeGaT Center For Human Genetics Tuebingen Variant Classification Criteria Version 2. Collection method: clinical testing. Allele origin: germline. Affected: yes. Observed: 1 variant allele.
Comment: FMR1: BS2

NM_002024.6(FMR1):c.1444G>A (p.Gly482Ser)

Gene: FMR1 (fragile X messenger ribonucleoprotein 1; plus strand). Cytogenetic location: Xq27.3.
Variant type: single nucleotide variant.
Coding change: c.1444G>A on transcript NM_002024.6 (MANE Select); coding-DNA position 1444, G replaced by A.
Protein change: p.Gly482Ser; replaces glycine 482 with serine.
Molecular consequence: missense variant. On other transcripts: intron variant (2).
Genome position (GRCh38, 1-based): chrX:147,943,299, G>A. VCF-style: chrX-147943299-G-A. GRCh37 (hg19) VCF-style: chrX-147024819-G-A.
Other names: c.1276-1645G>A (NM_001185075.2); c.1213-1645G>A (NM_001185081.2); c.1381G>A, p.Gly461Ser (NM_001185076.2, NM_001185082.2); short protein forms G461S, G482S.
Identifiers: ClinVar variation 4535437 (VCV004535437.6).